The following is an entry in ClinVar:

ClinVar aggregate classification (germline): Benign (0 of 4 stars; one submission).

Conditions:
MUC16-related disorder. Also called: MUC16-related condition.

Allele frequency attached by ClinVar (database versions not stated): 1000 Genomes Project 0.24820; 1000 Genomes Project 30x 0.24922; gnomAD 0.25930; ESP Exome Variant Server 0.26074; TOPMed 0.26160; ExAC 0.26294; gnomAD exomes 0.29275.

Submission:

PreventionGenetics, part of Exact Sciences
Classification: Benign for MUC16-related condition. Last evaluated: 2019-10-22. Review status: no assertion criteria provided. Collection method: clinical testing. Allele origin: germline.
Comment: This variant is classified as benign based on ACMG/AMP sequence variant interpretation guidelines (Richards et al. 2015 PMID: 25741868, with internal and published modifications).

NM_001401501.2(MUC16):c.11483C>T (p.Thr3828Ile)

Gene: MUC16 (mucin 16, cell surface associated; minus strand). Cytogenetic location: 19p13.2.
Variant type: single nucleotide variant.
Coding change: c.11483C>T on transcript NM_001401501.2 (MANE Select); coding-DNA position 11483, C replaced by T.
Protein change: p.Thr3828Ile; replaces threonine 3828 with isoleucine.
Molecular consequence: missense variant.
Genome position (GRCh38, 1-based): chr19:8,965,407, G>A on the plus strand (C>T on the coding strand, the complement: MUC16 is on the minus strand). VCF-style: chr19-8965407-G-A. GRCh37 (hg19) VCF-style: chr19-9076083-G-A.
Other names: c.11909C>T, p.Thr3970Ile (NM_001414686.1); c.11363C>T, p.Thr3788Ile (NM_001414687.1, NM_024690.2); short protein forms T3788I, T3828I, T3970I.
Identifiers: ClinVar variation 3059223 (VCV003059223.2), dbSNP rs2547072, ClinGen allele CA9171262.